The following is an entry in ClinVar:

ClinVar aggregate classification (germline): Uncertain significance (1 of 4 stars; one submission).

Submission:

Labcorp Genetics (formerly Invitae), Labcorp
Classification: Uncertain significance. Last evaluated: 2022-04-10. Review status: criteria provided, single submitter. Criteria: Invitae Variant Classification Sherloc (09022015). Collection method: clinical testing. Allele origin: germline.
Comment: This variant, c.152_154del, results in the deletion of 1 amino acid(s) of the ORC6 protein (p.Cys51del), but otherwise preserves the integrity of the reading frame. This variant is not present in population databases (gnomAD no frequency). This variant has not been reported in the literature in individuals affected with ORC6-related conditions. Experimental studies and prediction algorithms are not available or were not evaluated, and the functional significance of this variant is currently unknown. In summary, the available evidence is currently insufficient to determine the role of this variant in disease. Therefore, it has been classified as a Variant of Uncertain Significance.

NM_014321.4(ORC6):c.152_154del (p.Cys51del)

Gene: ORC6 (origin recognition complex subunit 6; plus strand). Cytogenetic location: 16q11.2.
Variant type: Deletion.
Coding change: c.152_154del on transcript NM_014321.4 (MANE Select); coding-DNA positions 152 to 154, 3 bases deleted (GCC; older notation c.152_154delGCC).
Protein change: p.Cys51del; deletes cysteine 51.
Molecular consequence: inframe deletion. On other transcripts: non-coding transcript variant (1).
Genome position (GRCh38, 1-based): chr16:46,691,077-46,691,079, GCC deleted. VCF-style (leftmost placement, unchanged base first): chr16-46691076-TGCC-T. GRCh37 (hg19) VCF-style: chr16-46724988-TGCC-T.
Other names: short protein forms C51del.
Identifiers: ClinVar variation 2054268 (VCV002054268.4), dbSNP rs2548891287, ClinGen allele CA2580091542.